The following is an entry in ClinVar:

NM_152594.3(SPRED1):c.289A>G (p.Lys97Glu)

Gene: SPRED1 (sprouty related EVH1 domain containing 1; plus strand). Cytogenetic location: 15q14.
Variant type: single nucleotide variant.
Coding change: c.289A>G on transcript NM_152594.3 (MANE Select); coding-DNA position 289, A replaced by G.
Protein change: p.Lys97Glu; replaces lysine 97 with glutamic acid.
Molecular consequence: missense variant.
Genome position (GRCh38, 1-based): chr15:38,322,322, A>G. VCF-style: chr15-38322322-A-G. GRCh37 (hg19) VCF-style: chr15-38614523-A-G.
Other names: short protein forms K97E.
Identifiers: ClinVar variation 3961358 (VCV003961358.1).

ClinVar aggregate classification (germline): Uncertain significance (1 of 4 stars; one submission).

Conditions:
Cardiovascular phenotype. Identifiers: MedGen CN230736.

Submission:

Ambry Genetics
Classification: Uncertain significance for Cardiovascular phenotype. Last evaluated: 2025-03-16. Review status: criteria provided, single submitter. Criteria: Ambry Variant Classification Scheme 2023. Collection method: clinical testing. Allele origin: germline.
Comment: The p.K97E variant (also known as c.289A>G), located in coding exon 3 of the SPRED1 gene, results from an A to G substitution at nucleotide position 289. The lysine at codon 97 is replaced by glutamic acid, an amino acid with similar properties. This amino acid position is conserved. In addition, the in silico prediction for this alteration is inconclusive. Based on the available evidence, the clinical significance of this variant remains unclear.